The following is an entry in ClinVar:

ClinVar aggregate classification (germline): Benign/Likely benign. Review status: criteria provided, multiple submitters, no conflicts (2 of 4 stars). 2 submissions from 2 submitters: Benign (1); Likely benign (1). Last evaluated 2026-06-01.

Allele frequency attached by ClinVar (database versions not stated): ExAC 0.00037; ESP Exome Variant Server 0.00074; gnomAD 0.00091; TOPMed 0.00097; 1000 Genomes Project 0.00180; 1000 Genomes Project 30x 0.00203.
gnomAD v4.1: 385 of 1,563,796 alleles (0.025%); highest among the groups gnomAD compares: African/African-American, 0.35%; no homozygotes.

Submissions (2):

CeGaT Center for Human Genetics Tuebingen
Classification: Likely benign. Last evaluated: 2026-06-01. Review status: criteria provided, single submitter. Criteria: CeGaT Center For Human Genetics Tuebingen Variant Classification Criteria Version 2. Collection method: clinical testing. Allele origin: germline. Affected: yes. Observed: 2 variant alleles.
Comment: CNOT3: BS1

Labcorp Genetics (formerly Invitae), Labcorp
Classification: Benign. Last evaluated: 2025-10-09. Review status: criteria provided, single submitter. Criteria: Invitae Variant Classification Sherloc (09022015). Collection method: clinical testing. Allele origin: germline.

NM_014516.4(CNOT3):c.1204G>A (p.Gly402Ser)

Gene: CNOT3 (CCR4-NOT transcription complex subunit 3; plus strand). Cytogenetic location: 19q13.42.
Variant type: single nucleotide variant.
Coding change: c.1204G>A on transcript NM_014516.4 (MANE Select); coding-DNA position 1204, G replaced by A.
Protein change: p.Gly402Ser; replaces glycine 402 with serine.
Molecular consequence: missense variant.
Genome position (GRCh38, 1-based): chr19:54,148,457, G>A. VCF-style: chr19-54148457-G-A. GRCh37 (hg19) VCF-style: chr19-54652192-G-A.
Other names: short protein forms G402S.
Identifiers: ClinVar variation 2650418 (VCV002650418.27), dbSNP rs200421099, ClinGen allele CA309339636.